The following is an entry in ClinVar:

NM_001042492.3(NF1):c.7190-34C>A

Gene: NF1 (neurofibromin 1; plus strand). Cytogenetic location: 17q11.2.
Variant type: single nucleotide variant.
Coding change: c.7190-34C>A on transcript NM_001042492.3 (MANE Select); 34 bases into the intron before coding-DNA position 7190, C replaced by A.
Molecular consequence: intron variant.
Genome position (GRCh38, 1-based): chr17:31,349,086, C>A. VCF-style: chr17-31349086-C-A. GRCh37 (hg19) VCF-style: chr17-29676104-C-A.
Other names: c.7127-34C>A (NM_000267.4).
Identifiers: ClinVar variation 1692348 (VCV001692348.1), dbSNP rs1757582806, ClinGen allele CA2573153816.
Genomic context (GRCh38, chr17:31,349,086, plus strand): 5'-CAGAGTTGTTAGTCAGGGAAGAAGACCTCAGCAGATGCTTGTTCAAAAAATTAATTCTTA[C>A]TTGTTTGTTTGTTTGTTTGTTTGTTTTTTGTAGGGTACAGGCATCCTTCACCTGCTATTG-3'

ClinVar aggregate classification (germline): Uncertain significance (1 of 4 stars; one submission).

Conditions:
Hereditary cancer-predisposing syndrome. Also called: Hereditary Cancer Syndrome; Hereditary neoplastic syndrome; Neoplastic Syndromes, Hereditary; Tumor predisposition. Identifiers: Orphanet 140162, MedGen C0027672, MeSH D009386, MONDO:0015356.

Submission:

Sema4
Classification: Uncertain significance for Hereditary cancer-predisposing syndrome. Last evaluated: 2022-02-11. Review status: criteria provided, single submitter. Criteria: Sema4 Curation Guidelines. Collection method: curation. Allele origin: germline.
Comment: The NF1 c.7127-34C>A variant has not been reported in the literature to our knowledge. This variant is not reported in the population database Genome Aggregation Database (PMID: 32461654) nor in ClinVar. In silico tools suggest that the variant does not affect normal splicing, though these predictions have not been confirmed by functional studies. The evidence is insufficient to meet ACMG/AMP criteria for classifying the variant as benign or pathogenic. Thus, the clinical significance of this variant is currently uncertain.